The following is an entry in ClinVar:

NM_002519.3(NPAT):c.428T>A (p.Leu143His)

Gene: NPAT (nuclear protein, coactivator of histone transcription; minus strand). Cytogenetic location: 11q22.3.
Variant type: single nucleotide variant.
Coding change: c.428T>A on transcript NM_002519.3 (MANE Select); coding-DNA position 428, T replaced by A.
Protein change: p.Leu143His; replaces leucine 143 with histidine.
Molecular consequence: missense variant.
Genome position (GRCh38, 1-based): chr11:108,189,234, A>T on the plus strand (T>A on the coding strand, the complement: NPAT is on the minus strand). VCF-style: chr11-108189234-A-T. GRCh37 (hg19) VCF-style: chr11-108059961-A-T.
Other names: c.428T>A, p.Leu143His (NM_001321307.1); short protein forms L143H.
Identifiers: ClinVar variation 3222630 (VCV003222630.1), dbSNP rs1243460901, ClinGen allele CA382524852.

ClinVar aggregate classification (germline): Uncertain significance (1 of 4 stars; one submission).

Allele frequency attached by ClinVar (database versions not stated): gnomAD exomes below 0.00001.
gnomAD v4.1: 1 of 1,614,194 alleles (0.000062%); highest among the groups gnomAD compares: East Asian, 0.0022%; no homozygotes.

Submission:

Ambry Genetics
Classification: Uncertain significance. Last evaluated: 2024-02-04. Review status: criteria provided, single submitter. Criteria: Ambry Variant Classification Scheme 2023. Collection method: clinical testing. Allele origin: germline.
Comment: The p.L143H variant (also known as c.428T>A), located in coding exon 6 of the NPAT gene, results from a T to A substitution at nucleotide position 428. The leucine at codon 143 is replaced by histidine, an amino acid with similar properties. This amino acid position is conserved. In addition, this alteration is predicted to be tolerated by in silico analysis. Based on the available evidence, the clinical significance of this alteration remains unclear.